The following is an entry in ClinVar:

NM_005505.5(SCARB1):c.1050_1051inv (p.Asp351Asn)

Gene: SCARB1 (scavenger receptor class B member 1; minus strand). Cytogenetic location: 12q24.31.
Variant type: Inversion.
Coding change: c.1050_1051inv on transcript NM_005505.5 (MANE Select).
Protein change: p.Asp351Asn; replaces aspartic acid 351 with asparagine.
Molecular consequence: missense variant. On other transcripts: non-coding transcript variant (6), intron variant (2).
Genome position: GRCh38 VCF-style: chr12-124800201-CA-TG. GRCh37 (hg19) VCF-style: chr12-125284747-CA-TG.
Other names: c.1050_1051inv, p.Asp351Asn (NM_001082959.2, NM_001367981.1, NM_001367983.1 and 3 more transcripts); c.927_928inv, p.Asp310Asn (NM_001367982.1); c.1026_1027inv, p.Asp343Asn (NM_001367985.1); c.727-4934_727-4933inv (NM_001367988.1); c.1004+7564_1004+7565inv (NM_001367987.1); short protein forms D351N, D310N, D343N.
Identifiers: ClinVar variation 4695025 (VCV004695025.1).

ClinVar aggregate classification (germline): Uncertain significance (1 of 4 stars; one submission).

Submission:

Labcorp Genetics (formerly Invitae), Labcorp
Classification: Uncertain significance. Last evaluated: 2025-06-08. Review status: criteria provided, single submitter. Criteria: Invitae Variant Classification Sherloc (09022015). Collection method: clinical testing. Allele origin: germline.
Comment: This sequence change replaces aspartic acid, which is acidic and polar, with asparagine, which is neutral and polar, at codon 351 of the SCARB1 protein (p.Asp351Asn). Information on the frequency of this variant in the gnomAD database is not available, as this variant may be reported differently in the database. This variant has not been reported in the literature in individuals affected with SCARB1-related conditions. Experimental studies and prediction algorithms are not available or were not evaluated, and the functional significance of this variant is currently unknown. In summary, the available evidence is currently insufficient to determine the role of this variant in disease. Therefore, it has been classified as a Variant of Uncertain Significance.